The following is an entry in ClinVar:

NM_014714.4(IFT140):c.2054G>A (p.Arg685His)

Gene: IFT140 (intraflagellar transport 140; minus strand). Cytogenetic location: 16p13.3.
Variant type: single nucleotide variant.
Coding change: c.2054G>A on transcript NM_014714.4 (MANE Select); coding-DNA position 2054, G replaced by A.
Protein change: p.Arg685His; replaces arginine 685 with histidine.
Molecular consequence: missense variant.
Genome position (GRCh38, 1-based): chr16:1,564,010, C>T on the plus strand (G>A on the coding strand, the complement: IFT140 is on the minus strand). VCF-style: chr16-1564010-C-T. GRCh37 (hg19) VCF-style: chr16-1614011-C-T.
Other names: c.2054G>A (NM_014714.3); short protein forms R685H.
Identifiers: ClinVar variation 1000382 (VCV001000382.13), dbSNP rs370263158, ClinGen allele CA7814037.

ClinVar aggregate classification (germline): Conflicting classifications of pathogenicity. Review status: criteria provided, conflicting classifications (1 of 4 stars). 5 submissions from 5 submitters: Uncertain significance (4); Likely benign (1). Last evaluated 2026-06-19.

Conditions:
Retinitis pigmentosa 80 (RP80). Identifiers: MedGen C4540439, MONDO:0054708, OMIM 617781.
Saldino-Mainzer syndrome (SRTD9). Also called: SHORT-RIB THORACIC DYSPLASIA 9 WITHOUT POLYDACTYLY; short-rib thoracic dysplasia 9 with or without polydactyly; CONORENAL SYNDROME; Renal dysplasia, retinal pigmentary dystrophy, cerebellar ataxia and skeletal dysplasia. Identifiers: Orphanet 140969, MedGen C1849437, MONDO:0009964, OMIM 266920.
IFT140-related disorder. Also called: IFT140-related condition.

Allele frequency attached by ClinVar (database versions not stated): gnomAD 0.00001; gnomAD exomes 0.00001; TOPMed 0.00001; ExAC 0.00002; ESP Exome Variant Server 0.00008; 1000 Genomes Project 30x 0.00016; 1000 Genomes Project 0.00020.
gnomAD v4.1: 15 of 1,583,124 alleles (0.00095%); highest among the groups gnomAD compares: African/African-American, 0.0014%; no homozygotes.

Submissions (5):

PreventionGenetics, part of Exact Sciences
Classification: Uncertain significance for IFT140-related condition. Last evaluated: 2026-06-19. Review status: criteria provided, single submitter. Criteria: ACMG Guidelines, 2015. Collection method: clinical testing. Allele origin: germline.
Comment: The IFT140 c.2054G>A variant is predicted to result in the amino acid substitution p.Arg685His. To our knowledge, this variant has not been reported in the literature. This variant is reported in 0.0063% of alleles in individuals of African descent in gnomAD. At this time, the clinical significance of this variant is uncertain due to the absence of conclusive functional and genetic evidence.

Labcorp Genetics (formerly Invitae), Labcorp
Classification: Likely benign for Saldino-Mainzer syndrome. Last evaluated: 2025-10-27. Review status: criteria provided, single submitter. Criteria: Invitae Variant Classification Sherloc (09022015). Collection method: clinical testing. Allele origin: germline.

Blueprint Genetics
Classification: Uncertain significance. Last evaluated: 2024-01-23. Review status: criteria provided, single submitter. Criteria: ACMG Guidelines, 2015. Collection method: clinical testing. Allele origin: germline.

Fulgent Genetics
Classification: Uncertain significance for Saldino-Mainzer syndrome; Retinitis pigmentosa 80. Last evaluated: 2021-11-17. Review status: criteria provided, single submitter. Criteria: ACMG Guidelines, 2015. Collection method: clinical testing. Allele origin: unknown.

Department of Pathology and Laboratory Medicine, Sinai Health System
Classification: Uncertain significance for Saldino-Mainzer syndrome; Retinitis pigmentosa 80. Last evaluated: 2021-08-13. Review status: criteria provided, single submitter. Criteria: ACMG Guidelines, 2015. Collection method: research. Allele origin: germline.